The following is an entry in ClinVar:

ClinVar aggregate classification (germline): Likely benign (1 of 4 stars; one submission).

Allele frequency attached by ClinVar (database versions not stated): ExAC 0.00141; ESP Exome Variant Server 0.00237; gnomAD 0.00285; TOPMed 0.00315; 1000 Genomes Project 0.00319; 1000 Genomes Project 30x 0.00328.
gnomAD v4.1: 1,272 of 1,607,584 alleles (0.079%); highest among the groups gnomAD compares: African/African-American, 0.93%; 4 homozygotes.

Submission:

CeGaT Center for Human Genetics Tuebingen
Classification: Likely benign. Last evaluated: 2022-07-01. Review status: criteria provided, single submitter. Criteria: CeGaT Center For Human Genetics Tuebingen Variant Classification Criteria Version 2. Collection method: clinical testing. Allele origin: germline. Affected: yes. Observed: 1 variant allele.
Comment: TBKBP1: BP4, BP7

NM_001394755.1(TBKBP1):c.567C>T (p.Pro189=)

Gene: TBKBP1 (TBK1 binding protein 1; plus strand). Cytogenetic location: 17q21.32.
Variant type: single nucleotide variant.
Coding change: c.567C>T on transcript NM_001394755.1 (MANE Select); coding-DNA position 567, C replaced by T.
Protein change: p.Pro189=; no amino-acid change (proline 189 retained).
Molecular consequence: synonymous variant.
Genome position (GRCh38, 1-based): chr17:47,698,708, C>T. VCF-style: chr17-47698708-C-T. GRCh37 (hg19) VCF-style: chr17-45776074-C-T.
Other names: c.567C>T, p.Pro189= (NM_001394756.1, NM_014726.2).
Identifiers: ClinVar variation 2647876 (VCV002647876.24), dbSNP rs141010554, ClinGen allele CA8625962.